The following is an entry in ClinVar:

ClinVar aggregate classification (germline): Pathogenic. Review status: criteria provided, multiple submitters, no conflicts (2 of 4 stars). 2 submissions from 2 submitters: Pathogenic (2). Last evaluated 2026-03-02.

Conditions:
Mucopolysaccharidosis, MPS-II (MPS2). Also called: IDS deficiency; Sulfoiduronate sulfatase deficiency; SIDS deficiency; Mucopolysaccharidosis with skin involvement; Mucopolysaccharidosis type 2; Attenuated MPS (subtype; formerly known as mild MPS II). Identifiers: Orphanet 580, Orphanet 79388, MedGen C0026705, MONDO:0010674, OMIM 309900.

Submissions (2):

Broad Center for Mendelian Genomics, Broad Institute of MIT and Harvard
Classification: Pathogenic for Mucopolysaccharidosis, MPS-II. Last evaluated: 2026-03-02. Review status: criteria provided, single submitter. Criteria: ACMG Guidelines, 2015. Collection method: research. Allele origin: germline. Inheritance: X-linked inheritance.
Comment: The phenotype of this individual is highly specific for mucopolysaccharidosis type II based on abnormal urine glycosaminoglycan (GAG) analysis. The c.418+1_418+4del variant in IDS has not been previously reported in the literature in individuals with mucopolysaccharidosis type 2 and was absent from large population studies. This variant is located in the 3' splice region. Computational tools predict a splicing impact, though this information is not predictive enough to determine/rule out pathogenicity. Loss of function of the IDS gene is an established disease mechanism in X-linked recessive mucopolysaccharidosis type 2. In summary, this variant meets criteria to be classified as pathogenic for X-linked recessive mucopolysaccharidosis type 2. ACMG/AMP Criteria applied: PVS1, PP4, PM2_supporting, PS4_supporting (Richards 2015).

Laboratory for Molecular Medicine, Mass General Brigham Personalized Medicine
Classification: Pathogenic for Mucopolysaccharidosis, MPS-II. Last evaluated: 2023-08-28. Review status: criteria provided, single submitter. Criteria: ACMG Guidelines, 2015. Collection method: clinical testing. Allele origin: germline.
Comment: This variant occurs within the canonical splice site (+/- 1,2) and is predicted to cause altered splicing leading to an abnormal or absent protein. Loss of function of the IDS gene is an established disease mechanism in X-linked Mucopolysaccharidosis Type II. Although this particular variant is absent from ClinVar, variants c.418+1G>C (Variation ID 664872) and c.418+2T>C (Variant ID 997091) which disrupt invariant donor splice sites of exon 3 have been reported as pathogenic by other labs. In summary, although additional studies are required to fully establish its clinical significance, this variant meets criteria to be classified as pathogenic for X-linked Mucopolysaccharidosis Type II. ACMG/AMP Criteria applied: PVS1, PM2_Supporting, PS4_Supporting, PP4.

NM_000202.8(IDS):c.418+1_418+4del

Gene: IDS (iduronate 2-sulfatase; minus strand). Cytogenetic location: Xq28.
Variant type: Deletion.
Coding change: c.418+1_418+4del on transcript NM_000202.8 (MANE Select); the canonical splice donor site of the intron after coding-DNA position 418 through 4 bases into the intron after coding-DNA position 418, 4 bases deleted (GTAC; older notation c.418+1_418+4delGTAC).
Molecular consequence: splice donor variant.
Genome position (GRCh38, 1-based): chrX:149,503,308-149,503,311, GTAC deleted on the plus strand (GTAC on the coding strand, the reverse complement: IDS is on the minus strand). VCF-style (leftmost placement, unchanged base first): chrX-149503307-AGTAC-A. GRCh37 (hg19) VCF-style: chrX-148584837-AGTAC-A.
Other names: NR_104128.2:n.587+1_587+4del; c.148+1_148+4del (NM_001166550.4); c.418+1_418+4del (NM_006123.5).
Identifiers: ClinVar variation 3075949 (VCV003075949.2), dbSNP rs2520895017, ClinGen allele CA2580610864.